The following is an entry in ClinVar:

NM_139057.4(ADAMTS17):c.*567G>A

Gene: ADAMTS17 (ADAM metallopeptidase with thrombospondin type 1 motif 17; minus strand). Cytogenetic location: 15q26.3.
Variant type: single nucleotide variant.
Coding change: c.*567G>A on transcript NM_139057.4 (MANE Select); 567 bases downstream of the stop codon, G replaced by A.
Molecular consequence: 3 prime UTR variant.
Genome position (GRCh38, 1-based): chr15:99,973,835, C>T on the plus strand (G>A on the coding strand, the complement: ADAMTS17 is on the minus strand). VCF-style: chr15-99973835-C-T. GRCh37 (hg19) VCF-style: chr15-100514040-C-T.
Identifiers: ClinVar variation 884426 (VCV000884426.4), dbSNP rs2573649, ClinGen allele CA275485246.

ClinVar aggregate classification (germline): Benign (1 of 4 stars; one submission).

Conditions:
Weill-Marchesani 4 syndrome, recessive. Also called: Weill-Marchesani syndrome 4. Identifiers: Orphanet 363992, MedGen C2750787, MONDO:0013176, OMIM 613195.

Allele frequency attached by ClinVar (database versions not stated): 1000 Genomes Project 30x 0.00422; 1000 Genomes Project 0.00499.
gnomAD v4.1: 178 of 186,588 alleles (0.095%); highest among the groups gnomAD compares: South Asian, 2%; 9 homozygotes.

Submission:

Illumina Laboratory Services, Illumina
Classification: Benign for Weill-Marchesani 4 syndrome, recessive. Last evaluated: 2018-01-12. Review status: criteria provided, single submitter. Criteria: ICSL Variant Classification Criteria 13 December 2019. Collection method: clinical testing. Allele origin: germline.
Comment: This variant was observed in the ICSL laboratory as part of a predisposition screen in an ostensibly healthy population. It had not been previously curated by ICSL or reported in the Human Gene Mutation Database (HGMD: prior to June 1st, 2018), and was therefore a candidate for classification through an automated scoring system. Utilizing variant allele frequency, disease prevalence and penetrance estimates, and inheritance mode, an automated score was calculated to assess if this variant is too frequent to cause the disease. Based on the score and internal cut-off values, a variant classified as benign is not then subjected to further curation. The score for this variant resulted in a classification of benign for this disease.